The following is an entry in ClinVar:

ClinVar aggregate classification (germline): Uncertain significance (1 of 4 stars; one submission).

Submission:

GeneDx
Classification: Uncertain significance. Last evaluated: 2023-05-05. Review status: criteria provided, single submitter. Criteria: GeneDx Variant Classification Process June 2021. Collection method: clinical testing. Allele origin: germline. Affected: yes.
Comment: Canonical splice site variant in a gene or region of a gene for which loss of function is not a well-established mechanism of disease; Not observed at significant frequency in large population cohorts (gnomAD); Has not been previously published as pathogenic or benign to our knowledge

NM_004519.4(KCNQ3):c.1141-2A>C

Gene: KCNQ3 (potassium voltage-gated channel subfamily Q member 3; minus strand). Cytogenetic location: 8q24.22.
Variant type: single nucleotide variant.
Coding change: c.1141-2A>C on transcript NM_004519.4 (MANE Select); the canonical splice acceptor site of the intron before coding-DNA position 1141, A replaced by C.
Molecular consequence: splice acceptor variant.
Genome position (GRCh38, 1-based): chr8:132,170,430, T>G on the plus strand (A>C on the coding strand, the complement: KCNQ3 is on the minus strand). VCF-style: chr8-132170430-T-G. GRCh37 (hg19) VCF-style: chr8-133182677-T-G.
Other names: c.781-2A>C (NM_001204824.2).
Identifiers: ClinVar variation 3340761 (VCV003340761.1).